The following is an entry in ClinVar:

NM_025207.5(FLAD1):c.803T>G (p.Met268Arg)

Gene: FLAD1 (flavin adenine dinucleotide synthetase 1; plus strand). Cytogenetic location: 1q21.3.
Variant type: single nucleotide variant.
Coding change: c.803T>G on transcript NM_025207.5 (MANE Select); coding-DNA position 803, T replaced by G.
Protein change: p.Met268Arg; replaces methionine 268 with arginine.
Molecular consequence: missense variant.
Genome position (GRCh38, 1-based): chr1:154,988,535, T>G. VCF-style: chr1-154988535-T-G. GRCh37 (hg19) VCF-style: chr1-154961011-T-G.
Other names: c.803T>G (NM_025207.4); c.512T>G, p.Met171Arg (NM_001184891.2, NM_201398.3); c.506T>G, p.Met169Arg (NM_001184892.2); short protein forms M171R, M169R, M268R.
Identifiers: ClinVar variation 1500405 (VCV001500405.9), dbSNP rs138810312, ClinGen allele CA1134410.

ClinVar aggregate classification (germline): Uncertain significance. Review status: criteria provided, multiple submitters, no conflicts (2 of 4 stars). 5 submissions from 5 submitters: Uncertain significance (5). Last evaluated 2026-06-01.

Conditions:
Myopathy with abnormal lipid metabolism. Also called: Lipid storage myopathy due to flavin adenine dinucleotide synthetase deficiency. Identifiers: MedGen C4310822, MONDO:0009703, OMIM 255100.
Inborn genetic diseases. Identifiers: MedGen C0950123, MeSH D030342.

Allele frequency attached by ClinVar (database versions not stated): 1000 Genomes Project 30x 0.00016; TOPMed 0.00018; 1000 Genomes Project 0.00020; gnomAD 0.00023 and 0.00025; gnomAD exomes 0.00024 and 0.00035; ESP Exome Variant Server 0.00031; ExAC 0.00047.

Submissions (5):

CeGaT Center for Human Genetics Tuebingen
Classification: Uncertain significance. Last evaluated: 2026-06-01. Review status: criteria provided, single submitter. Criteria: CeGaT Center For Human Genetics Tuebingen Variant Classification Criteria Version 2. Collection method: clinical testing. Allele origin: germline. Affected: yes. Observed: 1 variant allele.
Comment: FLAD1: PM2, BP4

Ambry Genetics
Classification: Uncertain significance for Inborn genetic diseases. Last evaluated: 2024-07-02. Review status: criteria provided, single submitter. Criteria: Ambry Variant Classification Scheme 2023. Collection method: clinical testing. Allele origin: germline.

Blueprint Genetics
Classification: Uncertain significance. Last evaluated: 2024-05-17. Review status: criteria provided, single submitter. Criteria: ACMG Guidelines, 2015. Collection method: clinical testing. Allele origin: germline.

ARUP Laboratories, Molecular Genetics and Genomics, ARUP Laboratories
Classification: Uncertain significance for Myopathy with abnormal lipid metabolism. Last evaluated: 2024-04-12. Review status: criteria provided, single submitter. Criteria: ARUP Molecular Germline Variant Investigation Process 2024. Collection method: clinical testing. Allele origin: germline.
Comment: The FLAD1 c.803T>G; p.Met268Arg variant (rs138810312), to our knowledge, is not reported in the medical literature but is reported in ClinVar (Variation ID: 1500405). This variant is found in the non-Finnish European population with an allele frequency of 0.066% (85/128990 alleles) in the Genome Aggregation Database (v2.1.1). Computational analyses are uncertain whether this variant is neutral or deleterious (REVEL: 0.325). Due to limited information, the clinical significance of this variant is uncertain at this time.

Labcorp Genetics (formerly Invitae), Labcorp
Classification: Uncertain significance. Last evaluated: 2022-10-18. Review status: criteria provided, single submitter. Criteria: Invitae Variant Classification Sherloc (09022015). Collection method: clinical testing. Allele origin: germline.
Comment: This sequence change replaces methionine, which is neutral and non-polar, with arginine, which is basic and polar, at codon 268 of the FLAD1 protein (p.Met268Arg). This variant is present in population databases (rs138810312, gnomAD 0.07%). This variant has not been reported in the literature in individuals affected with FLAD1-related conditions. ClinVar contains an entry for this variant (Variation ID: 1500405). Algorithms developed to predict the effect of missense changes on protein structure and function are either unavailable or do not agree on the potential impact of this missense change (SIFT: "Deleterious"; PolyPhen-2: "Benign"; Align-GVGD: "Class C0"). In summary, the available evidence is currently insufficient to determine the role of this variant in disease. Therefore, it has been classified as a Variant of Uncertain Significance.